The following is an entry in ClinVar:

ClinVar aggregate classification (germline): Uncertain significance (1 of 4 stars; one submission).

Conditions:
Episodic ataxia type 1 (EA1). Also called: Episodic ataxia/myokymia syndrome; MYOKYMIA WITH PERIODIC ATAXIA; PAROXYSMAL ATAXIA WITH NEUROMYOTONIA, HEREDITARY; ATAXIA, EPISODIC, WITH MYOKYMIA. Identifiers: Orphanet 37612, Orphanet 972, MedGen C1719788, MONDO:0008047, OMIM 160120.

Allele frequency attached by ClinVar (database versions not stated): gnomAD 0.00001.

Submission:

Labcorp Genetics (formerly Invitae), Labcorp
Classification: Uncertain significance for Episodic ataxia type 1. Last evaluated: 2022-03-30. Review status: criteria provided, single submitter. Criteria: Invitae Variant Classification Sherloc (09022015). Collection method: clinical testing. Allele origin: germline.
Comment: This sequence change replaces glutamic acid, which is acidic and polar, with aspartic acid, which is acidic and polar, at codon 275 of the KCNA1 protein (p.Glu275Asp). This variant is not present in population databases (gnomAD no frequency). This variant has not been reported in the literature in individuals affected with KCNA1-related conditions. Advanced modeling of protein sequence and biophysical properties (such as structural, functional, and spatial information, amino acid conservation, physicochemical variation, residue mobility, and thermodynamic stability) performed at Invitae indicates that this missense variant is not expected to disrupt KCNA1 protein function. In summary, the available evidence is currently insufficient to determine the role of this variant in disease. Therefore, it has been classified as a Variant of Uncertain Significance.

NM_000217.3(KCNA1):c.825G>T (p.Glu275Asp)

Gene: KCNA1 (potassium voltage-gated channel subfamily A member 1; plus strand). Cytogenetic location: 12p13.32.
Variant type: single nucleotide variant.
Coding change: c.825G>T on transcript NM_000217.3 (MANE Select); coding-DNA position 825, G replaced by T.
Protein change: p.Glu275Asp; replaces glutamic acid 275 with aspartic acid.
Molecular consequence: missense variant.
Genome position (GRCh38, 1-based): chr12:4,912,203, G>T. VCF-style: chr12-4912203-G-T. GRCh37 (hg19) VCF-style: chr12-5021369-G-T.
Other names: short protein forms E275D.
Identifiers: ClinVar variation 1404972 (VCV001404972.8), dbSNP rs1947356761, ClinGen allele CA383455423.